The following is an entry in ClinVar:

ClinVar aggregate classification (germline): Uncertain significance (1 of 4 stars; one submission).

gnomAD v4.1: 4 of 1,613,946 alleles (0.00025%); highest among the groups gnomAD compares: Non-Finnish European, 0.00034%; no homozygotes.

Submission:

Labcorp Genetics (formerly Invitae), Labcorp
Classification: Uncertain significance. Last evaluated: 2024-07-19. Review status: criteria provided, single submitter. Criteria: Invitae Variant Classification Sherloc (09022015). Collection method: clinical testing. Allele origin: germline.
Comment: This sequence change replaces cysteine, which is neutral and slightly polar, with serine, which is neutral and polar, at codon 80 of the MME protein (p.Cys80Ser). This variant is present in population databases (no rsID available, gnomAD 0.0009%). This variant has not been reported in the literature in individuals affected with MME-related conditions. Advanced modeling of protein sequence and biophysical properties (such as structural, functional, and spatial information, amino acid conservation, physicochemical variation, residue mobility, and thermodynamic stability) performed at Invitae indicates that this missense variant is expected to disrupt MME protein function with a positive predictive value of 80%. In summary, the available evidence is currently insufficient to determine the role of this variant in disease. Therefore, it has been classified as a Variant of Uncertain Significance.

NM_007289.4(MME):c.239G>C (p.Cys80Ser)

Gene: MME (membrane metalloendopeptidase; plus strand). Cytogenetic location: 3q25.2.
Variant type: single nucleotide variant.
Coding change: c.239G>C on transcript NM_007289.4 (MANE Select); coding-DNA position 239, G replaced by C.
Protein change: p.Cys80Ser; replaces cysteine 80 with serine.
Molecular consequence: missense variant.
Genome position (GRCh38, 1-based): chr3:155,115,036, G>C. VCF-style: chr3-155115036-G-C. GRCh37 (hg19) VCF-style: chr3-154832825-G-C.
Other names: c.239G>C, p.Cys80Ser (NM_000902.5, NM_001354642.2, NM_001354643.1 and 2 more transcripts); short protein forms C80S.
Identifiers: ClinVar variation 3616615 (VCV003616615.2).